The following is an entry in ClinVar:

NM_001371623.1(TCOF1):c.3388del (p.Leu1130fs)

Gene: TCOF1 (treacle ribosome biogenesis factor 1; plus strand). Cytogenetic location: 5q32.
Variant type: Deletion.
Coding change: c.3388del on transcript NM_001371623.1 (MANE Select); coding-DNA position 3388, one base deleted (C; older notation c.3388delC).
Protein change: p.Leu1130fs; shifts the reading frame from leucine 1130.
Molecular consequence: frameshift variant.
Genome position (GRCh38, 1-based): chr5:150,392,047, C deleted. VCF-style (leftmost placement, unchanged base first): chr5-150392046-GC-G. GRCh37 (hg19) VCF-style: chr5-149771609-GC-G.
Other names: c.3157del, p.Leu1053fs (NM_000356.4, NM_001135245.2); c.3388del, p.Leu1130fs (NM_001135243.2); c.3274del, p.Leu1092fs (NM_001135244.2, NM_001195141.2); short protein forms L1053fs, L1092fs, L1130fs.
Identifiers: ClinVar variation 1806832 (VCV001806832.3), dbSNP rs2534301072, ClinGen allele CA2580073887.

ClinVar aggregate classification (germline): Likely pathogenic. Review status: criteria provided, multiple submitters, no conflicts (2 of 4 stars). 2 submissions from 2 submitters: Likely pathogenic (2). Last evaluated 2023-02-23.

Conditions:
Treacher Collins syndrome 1 (TCS1). Also called: TCOF1-Related Treacher Collins Syndrome. Identifiers: Orphanet 861, MedGen CN315775, MONDO:0007944, OMIM 154500.

Submissions (2):

3billion
Classification: Likely pathogenic for Treacher Collins syndrome 1. Last evaluated: 2023-02-23. Review status: criteria provided, single submitter. Criteria: ACMG Guidelines, 2015. Collection method: clinical testing. Allele origin: unknown. Affected: yes.
Comment: The variant is not observed in the gnomAD v2.1.1 dataset. This variant was predicted to result in a loss or disruption of normal protein function through nonsense-mediated decay (NMD) or protein truncation. Multiple pathogenic variants are reported downstream of the variant. Therefore, this variant is classified as Likely pathogenic according to the recommendation of ACMG/AMP guideline.

Medical Molecular Genetics Department, National Research Center
Classification: Likely pathogenic for Treacher Collins syndrome 1. Last evaluated: 2022-01-12. Review status: criteria provided, single submitter. Criteria: ACMG Guidelines, 2015. Collection method: clinical testing. Allele origin: germline. Affected: yes. Observed: 1 variant allele.